The following is an entry in ClinVar:

ClinVar aggregate classification (germline): Uncertain significance (1 of 4 stars; one submission).

Conditions:
Arrhythmogenic right ventricular dysplasia 11. Also called: Arrhythmogenic right ventricular dysplasia 11 with mild palmoplantar keratoderma and woolly hair; Arrhythmogenic Right Ventricular Dysplasia/Cardiomyopathy11; ARRHYTHMOGENIC RIGHT VENTRICULAR DYSPLASIA, FAMILIAL, 11. Identifiers: MedGen C1864850, MONDO:0012506, OMIM 610476.

Submission:

Labcorp Genetics (formerly Invitae), Labcorp
Classification: Uncertain significance for Arrhythmogenic right ventricular dysplasia 11. Last evaluated: 2021-04-11. Review status: criteria provided, single submitter. Criteria: Invitae Variant Classification Sherloc (09022015). Collection method: clinical testing. Allele origin: germline.
Comment: This variant has not been reported in the literature in individuals with DSC2-related conditions. Algorithms developed to predict the effect of missense changes on protein structure and function (SIFT, PolyPhen-2, Align-GVGD) all suggest that this variant is likely to be disruptive, but these predictions have not been confirmed by published functional studies and their clinical significance is uncertain. In summary, the available evidence is currently insufficient to determine the role of this variant in disease. Therefore, it has been classified as a Variant of Uncertain Significance. This variant is not present in population databases (ExAC no frequency). This sequence change replaces proline with serine at codon 469 of the DSC2 protein (p.Pro469Ser). The proline residue is highly conserved and there is a moderate physicochemical difference between proline and serine.

NM_024422.6(DSC2):c.1405C>T (p.Pro469Ser)

Gene: DSC2 (desmocollin 2; minus strand). Cytogenetic location: 18q12.1.
Variant type: single nucleotide variant.
Coding change: c.1405C>T on transcript NM_024422.6 (MANE Select); coding-DNA position 1405, C replaced by T.
Protein change: p.Pro469Ser; replaces proline 469 with serine.
Molecular consequence: missense variant.
Genome position (GRCh38, 1-based): chr18:31,080,211, G>A on the plus strand (C>T on the coding strand, the complement: DSC2 is on the minus strand). VCF-style: chr18-31080211-G-A. GRCh37 (hg19) VCF-style: chr18-28660177-G-A.
Other names: c.1405C>T, p.Pro469Ser (NM_004949.5); short protein forms P469S.
Identifiers: ClinVar variation 1386954 (VCV001386954.8), dbSNP rs2144813745, ClinGen allele CA402108570.